The following is an entry in ClinVar:

NM_001378454.1(ALMS1):c.10209T>A (p.Thr3403=)

Gene: ALMS1 (ALMS1 centrosome and basal body associated protein; plus strand). Cytogenetic location: 2p13.1.
Variant type: single nucleotide variant.
Coding change: c.10209T>A on transcript NM_001378454.1 (MANE Select); coding-DNA position 10209, T replaced by A.
Protein change: p.Thr3403=; no amino-acid change (threonine 3403 retained).
Molecular consequence: synonymous variant.
Genome position (GRCh38, 1-based): chr2:73,557,350, T>A. VCF-style: chr2-73557350-T-A. GRCh37 (hg19) VCF-style: chr2-73784477-T-A.
Other names: c.10212T>A, p.Thr3404= (NM_015120.4).
Identifiers: ClinVar variation 389388 (VCV000389388.20), dbSNP rs34617744, ClinGen allele CA1714911.

ClinVar aggregate classification (germline): Benign. Review status: criteria provided, multiple submitters, no conflicts (2 of 4 stars). 8 submissions from 8 submitters: Benign (7). 1 of the submissions does not count toward it. Last evaluated 2026-02-04.

Conditions:
Alstrom syndrome (ALMS). Identifiers: Orphanet 64, MedGen C0268425, MONDO:0008763, OMIM 203800.
Cardiovascular phenotype. Identifiers: MedGen CN230736.

Allele frequency attached by ClinVar (database versions not stated): gnomAD exomes 0.01259 and 0.03196; ESP Exome Variant Server 0.01383; gnomAD 0.02215 and 0.02246; TOPMed 0.02313; ExAC 0.02695; 1000 Genomes Project 0.02955.
gnomAD v4.1: 21,691 of 1,614,092 alleles (1.3%); highest among the groups gnomAD compares: Admixed American, 15%; 906 homozygotes.

Submissions (8):

Labcorp Genetics (formerly Invitae), Labcorp
Classification: Benign for Alstrom syndrome. Last evaluated: 2026-02-04. Review status: criteria provided, single submitter. Criteria: Invitae Variant Classification Sherloc (09022015). Collection method: clinical testing. Allele origin: germline.

Blueprint Genetics
Classification: Benign. Last evaluated: 2024-11-26. Review status: criteria provided, single submitter. Criteria: ACMG Guidelines, 2015. Collection method: clinical testing. Allele origin: germline.

Ambry Genetics
Classification: Benign for Cardiovascular phenotype. Last evaluated: 2018-12-28. Review status: criteria provided, single submitter. Criteria: Ambry Variant Classification Scheme 2023. Collection method: clinical testing. Allele origin: germline.

Athena Diagnostics
Classification: Benign. Last evaluated: 2018-08-10. Review status: criteria provided, single submitter. Criteria: Athena Diagnostics Criteria. Collection method: clinical testing. Allele origin: germline.

GeneDx
Classification: Benign. Last evaluated: 2016-10-03. Review status: criteria provided, single submitter. Criteria: GeneDx Variant Classification (06012015). Collection method: clinical testing. Allele origin: germline. Affected: yes.
Comment: This variant is considered likely benign or benign based on one or more of the following criteria: it is a conservative change, it occurs at a poorly conserved position in the protein, it is predicted to be benign by multiple in silico algorithms, and/or has population frequency not consistent with disease.

Laboratory for Molecular Medicine, Mass General Brigham Personalized Medicine
Classification: Benign. Last evaluated: 2016-03-21. Review status: criteria provided, single submitter. Criteria: LMM Criteria. Collection method: clinical testing. Allele origin: germline. Observed: 20 variant alleles.
Comment: p.Thr3402Thr in exon 14 of ALMS1: This variant is not expected to have clinical significance because it does not alter an amino acid residue, is not located wit hin the splice consensus sequence, and has been identified in 19.40% (2239/11544 ) of Latino chromosomes by the Exome Aggregation Consortium (ExAC; dbSNP rs34617744).

Breakthrough Genomics
Classification: Benign. Review status: criteria provided, single submitter. Criteria: ACMG Guidelines, 2015. Collection method: not provided. Allele origin: germline. Inheritance: Autosomal recessive inheritance. Affected: yes.

Natera, Inc.
Classification: Benign for Alstrom syndrome. Last evaluated: 2020-09-16. Review status: no assertion criteria provided. Collection method: clinical testing. Allele origin: germline. Not counted in ClinVar's aggregate classification.